The following is an entry in ClinVar:

NM_000135.4(FANCA):c.1108G>A (p.Glu370Lys)

Gene: FANCA (FA complementation group A; minus strand). Cytogenetic location: 16q24.3.
Variant type: single nucleotide variant.
Coding change: c.1108G>A on transcript NM_000135.4 (MANE Select); coding-DNA position 1108, G replaced by A.
Protein change: p.Glu370Lys; replaces glutamic acid 370 with lysine.
Molecular consequence: missense variant.
Genome position (GRCh38, 1-based): chr16:89,792,044, C>T on the plus strand (G>A on the coding strand, the complement: FANCA is on the minus strand). VCF-style: chr16-89792044-C-T. GRCh37 (hg19) VCF-style: chr16-89858452-C-T.
Other names: c.1108G>A, p.Glu370Lys (NM_001286167.3); short protein forms E370K.
Identifiers: ClinVar variation 4022294 (VCV004022294.1).

ClinVar aggregate classification (germline): Uncertain significance (1 of 4 stars; one submission).

Conditions:
Inborn genetic diseases. Identifiers: MedGen C0950123, MeSH D030342.

Submission:

Ambry Genetics
Classification: Uncertain significance for Inborn genetic diseases. Last evaluated: 2025-05-21. Review status: criteria provided, single submitter. Criteria: Ambry Variant Classification Scheme 2023. Collection method: clinical testing. Allele origin: germline.
Comment: The p.E370K variant (also known as c.1108G>A), located in coding exon 13 of the FANCA gene, results from a G to A substitution at nucleotide position 1108. The glutamic acid at codon 370 is replaced by lysine, an amino acid with similar properties. This amino acid position is conserved. In addition, this alteration is predicted to be tolerated by in silico analysis. Based on the available evidence, the clinical significance of this variant remains unclear.